The following is an entry in ClinVar:

ClinVar aggregate classification (germline): Uncertain significance (1 of 4 stars; one submission).

Conditions:
Arterial tortuosity syndrome (ATORS). Identifiers: Orphanet 3342, MedGen C1859726, MONDO:0008818, OMIM 208050.

gnomAD v4.1: 7 of 1,614,104 alleles (0.00043%); highest among the groups gnomAD compares: Non-Finnish European, 0.000085%; no homozygotes.

Submission:

Labcorp Genetics (formerly Invitae), Labcorp
Classification: Uncertain significance for Arterial tortuosity syndrome. Last evaluated: 2024-07-31. Review status: criteria provided, single submitter. Criteria: Invitae Variant Classification Sherloc (09022015). Collection method: clinical testing. Allele origin: germline.
Comment: This sequence change replaces proline, which is neutral and non-polar, with leucine, which is neutral and non-polar, at codon 186 of the SLC2A10 protein (p.Pro186Leu). This variant is present in population databases (rs766673680, gnomAD 0.02%). This variant has not been reported in the literature in individuals affected with SLC2A10-related conditions. Advanced modeling of protein sequence and biophysical properties (such as structural, functional, and spatial information, amino acid conservation, physicochemical variation, residue mobility, and thermodynamic stability) performed at Invitae indicates that this missense variant is expected to disrupt SLC2A10 protein function with a positive predictive value of 80%. In summary, the available evidence is currently insufficient to determine the role of this variant in disease. Therefore, it has been classified as a Variant of Uncertain Significance.

NM_030777.4(SLC2A10):c.557C>T (p.Pro186Leu)

Gene: SLC2A10 (solute carrier family 2 member 10; plus strand). Cytogenetic location: 20q13.12.
Variant type: single nucleotide variant.
Coding change: c.557C>T on transcript NM_030777.4 (MANE Select); coding-DNA position 557, C replaced by T.
Protein change: p.Pro186Leu; replaces proline 186 with leucine.
Molecular consequence: missense variant.
Genome position (GRCh38, 1-based): chr20:46,725,593, C>T. VCF-style: chr20-46725593-C-T. GRCh37 (hg19) VCF-style: chr20-45354232-C-T.
Other names: short protein forms P186L.
Identifiers: ClinVar variation 3714478 (VCV003714478.2).